The following is an entry in ClinVar:

NM_000384.3(APOB):c.9907G>C (p.Glu3303Gln)

Gene: APOB (apolipoprotein B; minus strand). Cytogenetic location: 2p24.1.
Variant type: single nucleotide variant.
Coding change: c.9907G>C on transcript NM_000384.3 (MANE Select); coding-DNA position 9907, G replaced by C.
Protein change: p.Glu3303Gln; replaces glutamic acid 3303 with glutamine.
Molecular consequence: missense variant.
Genome position (GRCh38, 1-based): chr2:21,006,961, C>G on the plus strand (G>C on the coding strand, the complement: APOB is on the minus strand). VCF-style: chr2-21006961-C-G. GRCh37 (hg19) VCF-style: chr2-21229833-C-G.
Other names: short protein forms E3303Q.
Identifiers: ClinVar variation 2003729 (VCV002003729.4), dbSNP rs765577976, ClinGen allele CA066954.

ClinVar aggregate classification (germline): Uncertain significance (1 of 4 stars; one submission).

Conditions:
Familial hypobetalipoproteinemia 1. Also called: Hypobetalipoproteinemia, normotriglyceridemic; Acanthocytosis with hypobetalipoproteinemia; APOB-Related Familial Hypobetalipoproteinemia. Identifiers: MedGen C4551990, MONDO:0014252, OMIM 615558.
Hypercholesterolemia, autosomal dominant, type B (FHCL2). Also called: Familial Hypercholesterolemia Type B; APOLIPOPROTEIN B-100, FAMILIAL DEFECTIVE; APOLIPOPROTEIN B-100, FAMILIAL LIGAND-DEFECTIVE; HYPERCHOLESTEROLEMIA, FAMILIAL, DUE TO LIGAND-DEFECTIVE APOLIPOPROTEIN B; Hyperlipoproteinemia Type IIb; APOB-Related Familial Hypercholesterolemia, Autosomal Dominant. Identifiers: MedGen C1704417, MONDO:0007751, OMIM 144010.

Allele frequency attached by ClinVar (database versions not stated): gnomAD exomes below 0.00001; ExAC 0.00001.
gnomAD v4.1: 1 of 1,614,006 alleles (0.000062%); highest among the groups gnomAD compares: Admixed American, 0.0017%; no homozygotes.

Submission:

Labcorp Genetics (formerly Invitae), Labcorp
Classification: Uncertain significance for Familial hypobetalipoproteinemia 1; Hypercholesterolemia, autosomal dominant, type B. Last evaluated: 2022-06-09. Review status: criteria provided, single submitter. Criteria: Invitae Variant Classification Sherloc (09022015). Collection method: clinical testing. Allele origin: germline.
Comment: In summary, the available evidence is currently insufficient to determine the role of this variant in disease. Therefore, it has been classified as a Variant of Uncertain Significance. Algorithms developed to predict the effect of missense changes on protein structure and function (SIFT, PolyPhen-2, Align-GVGD) all suggest that this variant is likely to be tolerated. This variant has not been reported in the literature in individuals affected with APOB-related conditions. This variant is present in population databases (rs765577976, gnomAD 0.003%). This sequence change replaces glutamic acid, which is acidic and polar, with glutamine, which is neutral and polar, at codon 3303 of the APOB protein (p.Glu3303Gln).